The following is an entry in ClinVar:

ClinVar aggregate classification (germline): Uncertain significance (1 of 4 stars; one submission).

Conditions:
Treacher Collins syndrome 1 (TCS1). Also called: TCOF1-Related Treacher Collins Syndrome. Identifiers: Orphanet 861, MedGen CN315775, MONDO:0007944, OMIM 154500.

Submission:

Labcorp Genetics (formerly Invitae), Labcorp
Classification: Uncertain significance for Treacher Collins syndrome 1. Last evaluated: 2022-09-27. Review status: criteria provided, single submitter. Criteria: Invitae Variant Classification Sherloc (09022015). Collection method: clinical testing. Allele origin: germline.
Comment: This variant has not been reported in the literature in individuals affected with TCOF1-related conditions. This variant is not present in population databases (gnomAD no frequency). This variant, c.1029_1046del, results in the deletion of 6 amino acid(s) of the TCOF1 protein (p.Ser346_Glu351del), but otherwise preserves the integrity of the reading frame. ClinVar contains an entry for this variant (Variation ID: 1388283). In summary, the available evidence is currently insufficient to determine the role of this variant in disease. Therefore, it has been classified as a Variant of Uncertain Significance. Algorithms developed to predict the effect of sequence changes on RNA splicing suggest that this variant may create or strengthen a splice site.

NM_001371623.1(TCOF1):c.1029_1046del (p.Ser346_Glu351del)

Gene: TCOF1 (treacle ribosome biogenesis factor 1; plus strand). Cytogenetic location: 5q32.
Variant type: Deletion.
Coding change: c.1029_1046del on transcript NM_001371623.1 (MANE Select); coding-DNA positions 1029 to 1046, 18 bases deleted (CGAGGAGTCATCTGACAG).
Protein change: p.Ser346_Glu351del.
Molecular consequence: inframe deletion.
Genome position (GRCh38, 1-based): chr5:150,374,332-150,374,349, CGAGGAGTCATCTGACAG deleted; deleting any 18 consecutive bases within chr5:150,374,329-150,374,349 gives the same sequence; the c. name uses the placement nearest the transcript's 3' end. VCF-style (leftmost placement, unchanged base first): chr5-150374328-GCAGCGAGGAGTCATCTGA-G. GRCh37 (hg19) VCF-style: chr5-149753891-GCAGCGAGGAGTCATCTGA-G.
Other names: c.798_815del, p.Ser269_Glu274del (NM_000356.4, NM_001135245.2); c.1029_1046del, p.Ser346_Glu351del (NM_001008657.3, NM_001135243.2, NM_001135244.2 and 1 more transcripts).
Identifiers: ClinVar variation 1388283 (VCV001388283.6), dbSNP rs1763213917, ClinGen allele CA1590916732.
Genomic context (GRCh38, chr5:150,374,328, plus strand): 5'-AGGCAGGGGCTGTAGCCTCCCAGACCAAGGCAGGGAAGCCAGAGGAGGACTCAGAGAGCA[GCAGCGAGGAGTCATCTGA>G]CAGTGAGGAGGAGACGCCAGCTGCCAAGGCCCTGCTTCAGGTGAGGCCTGAGGAGGGAGA-3'